The following is an entry in ClinVar:

ClinVar aggregate classification (germline): Pathogenic. Review status: reviewed by expert panel (3 of 4 stars). 3 submissions from 3 submitters: Pathogenic (1). 2 of the submissions do not count toward it. Last evaluated 2025-01-31.

Conditions:
GUCY2D-related recessive retinopathy. Also called: Recessive GUCY2D retinopathy. Identifiers: MedGen CN305603, MONDO:0100453.
Cone-rod dystrophy 6 (CORD6). Also called: RETINAL CONE DYSTROPHY 2; Cone dystrophy progressive. Identifiers: Orphanet 1872, MedGen C1866293, MONDO:0011143, OMIM 601777.
Leber congenital amaurosis 1 (LCA1). Also called: RETINAL BLINDNESS, CONGENITAL; AMAUROSIS CONGENITA OF LEBER I; Congenital absence of the rods and cones; Leber's congenital tapetoretinal degeneration; Leber's congenital tapetoretinal dysplasia. Identifiers: Orphanet 65, MedGen C2931258, MONDO:0008764, OMIM 204000.
GUCY2D-related disorders.

Allele frequency attached by ClinVar (database versions not stated): gnomAD exomes below 0.00001 and 0.00003; TOPMed 0.00001.

Submissions (3):

ClinGen Leber Congenital Amaurosis/early Onset Retinal Dystrophy Variant Curation Expert Panel, ClinGen
Classification: Pathogenic for GUCY2D-related recessive retinopathy. Last evaluated: 2025-01-31. Review status: reviewed by expert panel. Criteria: ClinGen LCAeoRD ACMG Specifications GUCY2D V1.0.0. Collection method: curation. Allele origin: germline. Inheritance: Autosomal recessive inheritance.
Comment: NM_000180.4(GUCY2D):c.2516del (p.Thr839ArgfsTer27) is a frameshift variant that introduces a premature stop codon into exon 13 of 20, and is predicted to lead to nonsense-mediated decay in a gene in which loss-of-function is an established mechanism of disease (PVS1). This variant is present in gnomAD v.4.1.0 at a total allele frequency of 0.00002604, with 42 alleles / 1613212 total alleles , which is lower than the ClinGen LCA/eoRD VCEP PM2_Supporting threshold of <0.0004 (PM2_Supporting). At least one proband harboring this variant exhibits a phenotype including diagnosis of Leber congenital amaurosis (0.5 pts), flat ERG responses from rods (0.5 pts) and cones (1 pt), nystagmus (1 pt), and reduced visual acuity (1 pt), which together are specific for GUCY2D-related recessive retinopathy (4 pts total, PMID: 29178642, PP4). In summary, this variant meets the criteria to be classified as pathogenic for GUCY2D-related recessive retinopathy based on the ACMG/AMP criteria applied, as specified by the ClinGen LCA / eoRD VCEP: PVS1, PM2_Supporting, and PP4. (VCEP specifications version 1.0.0; date of approval 01/22/2025).

Blueprint Genetics
Classification: Pathogenic for GUCY2D-related disorders. Last evaluated: 2022-09-01. Review status: criteria provided, single submitter. Criteria: ACMG Guidelines, 2015. Collection method: clinical testing. Allele origin: germline. Affected: yes. Observed: 4 variant alleles. Not counted in ClinVar's aggregate classification.

Labcorp Genetics (formerly Invitae), Labcorp
Classification: Pathogenic for Leber congenital amaurosis 1; Cone-rod dystrophy 6. Last evaluated: 2022-03-10. Review status: criteria provided, single submitter. Criteria: Invitae Variant Classification Sherloc (09022015). Collection method: clinical testing. Allele origin: germline. Not counted in ClinVar's aggregate classification.
Comment: For these reasons, this variant has been classified as Pathogenic. This sequence change creates a premature translational stop signal (p.Thr839Argfs*27) in the GUCY2D gene. It is expected to result in an absent or disrupted protein product. Loss-of-function variants in GUCY2D are known to be pathogenic (PMID: 10951519, 11328726). This variant is present in population databases (rs756044745, gnomAD 0.0009%). This premature translational stop signal has been observed in individual(s) with Leber congenital amaurosis (PMID: 29178642). ClinVar contains an entry for this variant (Variation ID: 938393).

Literature cited by the submitters: PubMed 10951519 (cited by Labcorp Genetics (formerly Invitae), Labcorp); PubMed 11328726 (cited by Labcorp Genetics (formerly Invitae), Labcorp); PubMed 29178642 (cited by Labcorp Genetics (formerly Invitae), Labcorp).

NM_000180.4(GUCY2D):c.2516del (p.Thr839fs)

Gene: GUCY2D (guanylate cyclase 2D, retinal; plus strand). Cytogenetic location: 17p13.1.
Variant type: Deletion.
Coding change: c.2516del on transcript NM_000180.4 (MANE Select); coding-DNA position 2516, one base deleted (C; older notation c.2516delC).
Protein change: p.Thr839fs; shifts the reading frame from threonine 839.
Molecular consequence: frameshift variant.
Genome position (GRCh38, 1-based): chr17:8,014,704, C deleted. VCF-style (leftmost placement, unchanged base first): chr17-8014703-AC-A. GRCh37 (hg19) VCF-style: chr17-7918021-AC-A.
Other names: NM_000180.4(GUCY2D):c.2516del; p.Thr839fs; short protein forms T839fs.
Identifiers: ClinVar variation 938393 (VCV000938393.9), dbSNP rs756044745, ClinGen allele CA287533033.